The following is an entry in ClinVar:

NM_000088.4(COL1A1):c.2382A>G (p.Gly794=)

Gene: COL1A1 (collagen type I alpha 1 chain; minus strand). Cytogenetic location: 17q21.33.
Variant type: single nucleotide variant.
Coding change: c.2382A>G on transcript NM_000088.4 (MANE Select); coding-DNA position 2382, A replaced by G.
Protein change: p.Gly794=; no amino-acid change (glycine 794 retained).
Molecular consequence: synonymous variant.
Genome position (GRCh38, 1-based): chr17:50,190,558, T>C on the plus strand (A>G on the coding strand, the complement: COL1A1 is on the minus strand). VCF-style: chr17-50190558-T-C. GRCh37 (hg19) VCF-style: chr17-48267919-T-C.
Other names: c.2382A>G (NM_000088.3).
Identifiers: ClinVar variation 1650044 (VCV001650044.9), dbSNP rs2144555296, ClinGen allele CA500845999.

ClinVar aggregate classification (germline): Conflicting classifications of pathogenicity. Review status: criteria provided, conflicting classifications (1 of 4 stars). 2 submissions from 2 submitters: Uncertain significance (1); Likely benign (1). Last evaluated 2023-05-26.

Conditions:
Osteogenesis imperfecta type I (OI1). Also called: Classic Non-deforming Osteogenesis Imperfecta with Blue Sclerae; OI, TYPE I; OSTEOGENESIS IMPERFECTA TARDA; OSTEOGENESIS IMPERFECTA WITH BLUE SCLERAE; Lobstein disease; Osteogenesis imperfecta type 1. Identifiers: Orphanet 216796, Orphanet 666, MedGen C0023931, MONDO:0008146, OMIM 166200. Disease mechanism: loss of function.

Submissions (2):

GeneDx
Classification: Uncertain significance. Last evaluated: 2023-05-26. Review status: criteria provided, single submitter. Criteria: GeneDx Variant Classification Process June 2021. Collection method: clinical testing. Allele origin: germline. Affected: yes.
Comment: Not observed at significant frequency in large population cohorts (gnomAD); In silico analysis supports that this variant does not alter splicing; This variant is associated with the following publications: (PMID: Hruskova2017[posterabstract], 27132807)

Labcorp Genetics (formerly Invitae), Labcorp
Classification: Likely benign for Osteogenesis imperfecta type I. Last evaluated: 2022-04-06. Review status: criteria provided, single submitter. Criteria: Invitae Variant Classification Sherloc (09022015). Collection method: clinical testing. Allele origin: germline.